The following is an entry in ClinVar:

NM_002890.3(RASA1):c.841A>T (p.Arg281Ter)

Genes: CCNH (cyclin H; minus strand), RASA1 (RAS p21 protein activator 1; plus strand). Cytogenetic location: 5q14.3.
Variant type: single nucleotide variant.
Coding change: c.841A>T on transcript NM_002890.3 (MANE Select); coding-DNA position 841, A replaced by T.
Protein change: p.Arg281Ter; replaces arginine 281 with a stop codon.
Molecular consequence: nonsense. On other transcripts: intron variant (1).
Genome position (GRCh38, 1-based): chr5:87,333,279, A>T. VCF-style: chr5-87333279-A-T. GRCh37 (hg19) VCF-style: chr5-86629096-A-T.
Other names: c.310A>T, p.Arg104Ter (NM_022650.3); c.934-20484T>A (NM_001364075.2); short protein forms R104*, R281*.
Identifiers: ClinVar variation 2706090 (VCV002706090.3), dbSNP rs2531194790, ClinGen allele CA360378203.

ClinVar aggregate classification (germline): Pathogenic (1 of 4 stars; one submission).

Conditions:
Capillary malformation-arteriovenous malformation syndrome. Also called: Capillary malformation-arteriovenous malformation. Identifiers: Orphanet 137667, MedGen C1842180, MONDO:0012016.

Submission:

Labcorp Genetics (formerly Invitae), Labcorp
Classification: Pathogenic for Capillary malformation-arteriovenous malformation syndrome. Last evaluated: 2023-12-28. Review status: criteria provided, single submitter. Criteria: Invitae Variant Classification Sherloc (09022015). Collection method: clinical testing. Allele origin: germline.
Comment: This sequence change creates a premature translational stop signal (p.Arg281*) in the RASA1 gene. It is expected to result in an absent or disrupted protein product. Loss-of-function variants in RASA1 are known to be pathogenic (PMID: 24038909). This variant is not present in population databases (gnomAD no frequency). This variant has not been reported in the literature in individuals affected with RASA1-related conditions. For these reasons, this variant has been classified as Pathogenic.

Literature cited by the submitters: PubMed 24038909.